The following is an entry in ClinVar:

NM_006009.4(TUBA1A):c.236G>C (p.Arg79Pro)

Gene: TUBA1A (tubulin alpha 1a; minus strand). Cytogenetic location: 12q13.12.
Variant type: single nucleotide variant.
Coding change: c.236G>C on transcript NM_006009.4 (MANE Select); coding-DNA position 236, G replaced by C.
Protein change: p.Arg79Pro; replaces arginine 79 with proline.
Molecular consequence: missense variant.
Genome position (GRCh38, 1-based): chr12:49,186,449, C>G on the plus strand (G>C on the coding strand, the complement: TUBA1A is on the minus strand). VCF-style: chr12-49186449-C-G. GRCh37 (hg19) VCF-style: chr12-49580232-C-G.
Other names: c.236G>C, p.Arg79Pro (NM_001270399.2); c.131G>C, p.Arg44Pro (NM_001270400.2); short protein forms R44P, R79P.
Identifiers: ClinVar variation 3694178 (VCV003694178.2).

ClinVar aggregate classification (germline): Pathogenic (1 of 4 stars; one submission).

Submission:

Labcorp Genetics (formerly Invitae), Labcorp
Classification: Pathogenic. Last evaluated: 2024-08-21. Review status: criteria provided, single submitter. Criteria: Invitae Variant Classification Sherloc (09022015). Collection method: clinical testing. Allele origin: germline.
Comment: This sequence change replaces arginine, which is basic and polar, with proline, which is neutral and non-polar, at codon 79 of the TUBA1A protein (p.Arg79Pro). This variant is not present in population databases (gnomAD no frequency). This missense change has been observed in individual(s) with cortical malformations (internal data). In at least one individual the variant was observed to be de novo. Invitae Evidence Modeling of protein sequence and biophysical properties (such as structural, functional, and spatial information, amino acid conservation, physicochemical variation, residue mobility, and thermodynamic stability) indicates that this missense variant is expected to disrupt TUBA1A protein function with a positive predictive value of 80%. For these reasons, this variant has been classified as Pathogenic.